The following is an entry in ClinVar:

NM_004006.3(DMD):c.1812+601A>G

Gene: DMD (dystrophin; minus strand). Cytogenetic location: Xp21.1.
Variant type: single nucleotide variant.
Coding change: c.1812+601A>G on transcript NM_004006.3 (MANE Select); 601 bases into the intron after coding-DNA position 1812, A replaced by G.
Molecular consequence: intron variant.
Genome position (GRCh38, 1-based): chrX:32,572,929, T>C on the plus strand (A>G on the coding strand, the complement: DMD is on the minus strand). VCF-style: chrX-32572929-T-C. GRCh37 (hg19) VCF-style: chrX-32591046-T-C.
Other names: c.1788+601A>G (NM_000109.4); c.1800+601A>G (NM_004009.3); c.1443+601A>G (NM_004010.3).
Identifiers: ClinVar variation 689541 (VCV000689541.3), dbSNP rs1603636710, ClinGen allele CA915950977.

ClinVar aggregate classification (germline): Uncertain significance. Review status: criteria provided, multiple submitters, no conflicts (2 of 4 stars). 3 submissions from 3 submitters: Uncertain significance (2). 1 of the submissions does not count toward it. Last evaluated 2026-04-07.

Conditions:
Duchenne muscular dystrophy (DMD). Also called: Duchenne Muscular Dystrophy (DMD); MUSCULAR DYSTROPHY, PSEUDOHYPERTROPHIC PROGRESSIVE, DUCHENNE TYPE. Identifiers: Orphanet 98896, MedGen C0013264, MONDO:0010679, OMIM 310200.
Muscular dystrophy. Identifiers: Orphanet 98473, MedGen C0026850, MeSH D009136, MONDO:0020121, HP:0003560.

Submissions (3):

GeneDx
Classification: Uncertain significance. Last evaluated: 2026-04-07. Review status: criteria provided, single submitter. Criteria: GeneDx Variant Classification Process June 2021. Collection method: clinical testing. Allele origin: germline.
Comment: In silico analysis suggests this variant may impact gene splicing. In the absence of RNA/functional studies, the actual effect of this sequence change is unknown.; No data available from ethnically-matched control populations to assess the frequency of this variant; This variant is associated with the following publications: (PMID: 40598573)

3billion
Classification: Uncertain significance for Duchenne muscular dystrophy. Last evaluated: 2025-11-11. Review status: criteria provided, single submitter. Criteria: ACMG Guidelines, 2015. Collection method: clinical testing. Allele origin: germline. Affected: yes.
Comment: The variant is not observed in the gnomAD v4.1.0 dataset. Predicted Consequence/Location: Intron variant In silico tools predict the variant to alter splicing and produce an abnormal transcript [SpliceAI: 0.75 (>=0.2, moderate evidence for spliceogenicity)]. The variant has been reported to be associated with DMD-related disorder (ClinVar ID: VCV000689541). However, the evidence of pathogenicity is insufficient at this time. Therefore, this variant is classified as VUS according to the recommendation of ACMG/AMP guideline.

Institute of Human Genetics, University of Wuerzburg
Classification: Likely pathogenic for Muscular dystrophy. Review status: no assertion criteria provided. Collection method: clinical testing. Allele origin: unknown. Not counted in ClinVar's aggregate classification.